The following is an entry in ClinVar:

ClinVar aggregate classification (germline): Uncertain significance (1 of 4 stars; one submission).

Conditions:
Autoimmune lymphoproliferative syndrome type 2A (ALPS2A). Also called: CASP10-Related Autoimmune Lymphoproliferative Syndrome; AUTOIMMUNE LYMPHOPROLIFERATIVE SYNDROME, TYPE IIA; Autoimmune lymphoproliferative syndrome type 2. Identifiers: Orphanet 3261, MedGen C1858968, MONDO:0011383, OMIM 603909.

gnomAD v4.1: 6 of 1,613,566 alleles (0.00037%); highest among the groups gnomAD compares: South Asian, 0.0033%; no homozygotes.

Submission:

Labcorp Genetics (formerly Invitae), Labcorp
Classification: Uncertain significance for Autoimmune lymphoproliferative syndrome type 2A. Last evaluated: 2024-02-15. Review status: criteria provided, single submitter. Criteria: Invitae Variant Classification Sherloc (09022015). Collection method: clinical testing. Allele origin: germline.
Comment: This sequence change replaces arginine, which is basic and polar, with glutamine, which is neutral and polar, at codon 280 of the CASP10 protein (p.Arg280Gln). This variant is present in population databases (rs750581097, gnomAD 0.003%). This variant has not been reported in the literature in individuals affected with CASP10-related conditions. ClinVar contains an entry for this variant (Variation ID: 1382014). Advanced modeling of protein sequence and biophysical properties (such as structural, functional, and spatial information, amino acid conservation, physicochemical variation, residue mobility, and thermodynamic stability) performed at Invitae indicates that this missense variant is not expected to disrupt CASP10 protein function with a negative predictive value of 80%. In summary, the available evidence is currently insufficient to determine the role of this variant in disease. Therefore, it has been classified as a Variant of Uncertain Significance.

NM_032977.4(CASP10):c.839G>A (p.Arg280Gln)

Gene: CASP10 (caspase 10; plus strand). Cytogenetic location: 2q33.1.
Variant type: single nucleotide variant.
Coding change: c.839G>A on transcript NM_032977.4 (MANE Select); coding-DNA position 839, G replaced by A.
Protein change: p.Arg280Gln; replaces arginine 280 with glutamine.
Molecular consequence: missense variant. On other transcripts: synonymous variant (1), intron variant (1).
Genome position (GRCh38, 1-based): chr2:201,208,100, G>A. VCF-style: chr2-201208100-G-A. GRCh37 (hg19) VCF-style: chr2-202072823-G-A.
Other names: c.710G>A, p.Arg237Gln (NM_001206542.2, NM_001230.5); c.839G>A, p.Arg280Gln (NM_032974.5); c.747G>A, p.Ser249= (NM_032976.4); c.722-970G>A (NM_001206524.2); short protein forms R237Q, R280Q.
Identifiers: ClinVar variation 1382014 (VCV001382014.6), dbSNP rs750581097, ClinGen allele CA2053082.